The following is an entry in ClinVar:

ClinVar aggregate classification (germline): Pathogenic/Likely pathogenic. Review status: criteria provided, multiple submitters, no conflicts (2 of 4 stars). 2 submissions from 2 submitters: Pathogenic (1); Likely pathogenic (1). Last evaluated 2025-03-16.

Conditions:
Mucopolysaccharidosis type 6 (MPS6). Also called: N-ACETYLGALACTOSAMINE-4-SULFATASE DEFICIENCY; MPS VI; ARSB DEFICIENCY; ARYLSULFATASE B DEFICIENCY; MPS 6; Maroteaux Lamy syndrome. Identifiers: Orphanet 583, MedGen C0026709, MONDO:0009661, OMIM 253200.

Allele frequency attached by ClinVar (database versions not stated): gnomAD exomes below 0.00001 and 0.00001; TOPMed below 0.00001; gnomAD 0.00001; ExAC 0.00002; ESP Exome Variant Server 0.00008.
gnomAD v4.1: 8 of 1,613,936 alleles (0.0005%); highest among the groups gnomAD compares: Non-Finnish European, 0.00068%; no homozygotes.

Submissions (2):

Labcorp Genetics (formerly Invitae), Labcorp
Classification: Pathogenic for Mucopolysaccharidosis type 6. Last evaluated: 2025-03-16. Review status: criteria provided, single submitter. Criteria: Invitae Variant Classification Sherloc (09022015). Collection method: clinical testing. Allele origin: germline.
Comment: This sequence change affects a donor splice site in intron 7 of the ARSB gene. While this variant is not anticipated to result in nonsense mediated decay, it likely alters RNA splicing and results in a disrupted protein product. This variant is present in population databases (rs376233975, gnomAD 0.004%). Disruption of this splice site has been observed in individual(s) with mucopolysaccharidosis type VI (PMID: 14974081, 17458871, 24875751). ClinVar contains an entry for this variant (Variation ID: 1382456). Variants that disrupt the consensus splice site are a relatively common cause of aberrant splicing (PMID: 17576681, 9536098). Algorithms developed to predict the effect of sequence changes on RNA splicing suggest that this variant may disrupt the consensus splice site. This variant disrupts a region of the ARSB protein in which other variant(s) (p.Asp480Glyfs*3) have been determined to be pathogenic (internal data). This suggests that this is a clinically significant region of the protein, and that variants that disrupt it are likely to be disease-causing. For these reasons, this variant has been classified as Pathogenic.

Baylor Genetics
Classification: Likely pathogenic for Mucopolysaccharidosis type 6. Last evaluated: 2023-09-05. Review status: criteria provided, single submitter. Criteria: ACMG Guidelines, 2015. Collection method: clinical testing. Allele origin: unknown.

Literature cited by the submitters: PubMed 14974081 (cited by Labcorp Genetics (formerly Invitae), Labcorp); PubMed 17458871 (cited by Labcorp Genetics (formerly Invitae), Labcorp); PubMed 24875751 (cited by Labcorp Genetics (formerly Invitae), Labcorp); PubMed 17576681 (cited by Labcorp Genetics (formerly Invitae), Labcorp); PubMed 9536098 (cited by Labcorp Genetics (formerly Invitae), Labcorp).

NM_000046.5(ARSB):c.1336+1G>A

Gene: ARSB (arylsulfatase B; minus strand). Cytogenetic location: 5q14.1.
Variant type: single nucleotide variant.
Coding change: c.1336+1G>A on transcript NM_000046.5 (MANE Select); the canonical splice donor site of the intron after coding-DNA position 1336, G replaced by A.
Molecular consequence: splice donor variant.
Genome position (GRCh38, 1-based): chr5:78,781,851, C>T on the plus strand (G>A on the coding strand, the complement: ARSB is on the minus strand). VCF-style: chr5-78781851-C-T. GRCh37 (hg19) VCF-style: chr5-78077674-C-T.
Identifiers: ClinVar variation 1382456 (VCV001382456.9), dbSNP rs376233975, ClinGen allele CA3318028.